The following is an entry in ClinVar:

ClinVar aggregate classification (germline): Uncertain significance (1 of 4 stars; one submission).

Allele frequency attached by ClinVar (database versions not stated): gnomAD exomes below 0.00001; TOPMed below 0.00001.
gnomAD v4.1: 1 of 1,611,762 alleles (0.000062%); highest among the groups gnomAD compares: East Asian, 0.0022%; no homozygotes.

Submission:

Labcorp Genetics (formerly Invitae), Labcorp
Classification: Uncertain significance. Last evaluated: 2022-06-20. Review status: criteria provided, single submitter. Criteria: Invitae Variant Classification Sherloc (09022015). Collection method: clinical testing. Allele origin: germline.
Comment: In summary, the available evidence is currently insufficient to determine the role of this variant in disease. Therefore, it has been classified as a Variant of Uncertain Significance. Algorithms developed to predict the effect of missense changes on protein structure and function are either unavailable or do not agree on the potential impact of this missense change (SIFT: "Deleterious"; PolyPhen-2: "Not Available"; Align-GVGD: "Class C0"). This variant has not been reported in the literature in individuals affected with COL7A1-related conditions. This variant is not present in population databases (gnomAD no frequency). This sequence change replaces glycine, which is neutral and non-polar, with arginine, which is basic and polar, at codon 76 of the COL7A1 protein (p.Gly76Arg).

NM_000094.4(COL7A1):c.226G>C (p.Gly76Arg)

Gene: COL7A1 (collagen type VII alpha 1 chain; minus strand). Cytogenetic location: 3p21.31.
Variant type: single nucleotide variant.
Coding change: c.226G>C on transcript NM_000094.4 (MANE Select); coding-DNA position 226, G replaced by C.
Protein change: p.Gly76Arg; replaces glycine 76 with arginine.
Molecular consequence: missense variant.
Genome position (GRCh38, 1-based): chr3:48,594,408, C>G on the plus strand (G>C on the coding strand, the complement: COL7A1 is on the minus strand). VCF-style: chr3-48594408-C-G. GRCh37 (hg19) VCF-style: chr3-48631841-C-G.
Other names: short protein forms G76R.
Identifiers: ClinVar variation 1930021 (VCV001930021.5), dbSNP rs2045925638, ClinGen allele CA352749346.